The following is an entry in ClinVar:

ClinVar aggregate classification (germline): Pathogenic (1 of 4 stars; one submission).

Conditions:
Familial cancer of breast. Also called: Hereditary breast cancer; BREAST CANCER, FAMILIAL; hereditary breast carcinoma. Identifiers: Orphanet 227535, MedGen C0346153, MONDO:0016419, OMIM 114480. Disease mechanism: loss of function.

Submission:

Myriad Genetics, Inc.
Classification: Pathogenic for Familial cancer of breast. Last evaluated: 2023-09-12. Review status: criteria provided, single submitter. Criteria: Myriad Autosomal Dominant, Autosomal Recessive and X-Linked Classification Criteria (2023). Collection method: clinical testing. Allele origin: unknown.
Comment: This variant is considered pathogenic. This variant creates a termination codon and is predicted to result in premature protein truncation.

NM_024675.4(PALB2):c.2444C>A (p.Ser815Ter)

Gene: PALB2 (partner and localizer of BRCA2; minus strand). Cytogenetic location: 16p12.2.
Variant type: single nucleotide variant.
Coding change: c.2444C>A on transcript NM_024675.4 (MANE Select); coding-DNA position 2444, C replaced by A.
Protein change: p.Ser815Ter; replaces serine 815 with a stop codon.
Molecular consequence: nonsense. On other transcripts: intron variant (1).
Genome position (GRCh38, 1-based): chr16:23,629,710, G>T on the plus strand (C>A on the coding strand, the complement: PALB2 is on the minus strand). VCF-style: chr16-23629710-G-T. GRCh37 (hg19) VCF-style: chr16-23641031-G-T.
Other names: c.2384C>A, p.Ser795Ter (NM_001407296.1); c.2444C>A, p.Ser815Ter (NM_001407297.1, NM_001407298.1, NM_001407299.1 and 3 more transcripts); c.1559C>A, p.Ser520Ter (NM_001407304.1, NM_001407305.1, NM_001407306.1 and 5 more transcripts); c.656C>A, p.Ser219Ter (NM_001407312.1, NM_001407313.1); c.49-435C>A (NM_001407314.1); short protein forms S219*, S520*, S795*, S815*.
Identifiers: ClinVar variation 2674088 (VCV002674088.1), dbSNP rs879254068, ClinGen allele CA395124202.